The following is an entry in ClinVar:

ClinVar aggregate classification (germline): Benign/Likely benign. Review status: criteria provided, multiple submitters, no conflicts (2 of 4 stars). 8 submissions from 8 submitters: Benign (6); Likely benign (2). Last evaluated 2026-01-19.

Conditions:
Hereditary sensory neuropathy-deafness-dementia syndrome. Also called: Hereditary sensory neuropathy type IE; Hereditary Sensory and Autonomic Neuropathy Type 1E (HSAN1E); NEUROPATHY, HEREDITARY SENSORY, WITH HEARING LOSS AND DEMENTIA; HSN IE. Identifiers: Orphanet 456318, MedGen C3279885, MONDO:0013584, OMIM 614116.

Allele frequency attached by ClinVar (database versions not stated): gnomAD exomes 0.00020 and 0.00058; ExAC 0.00072; gnomAD 0.00234 and 0.00254; ESP Exome Variant Server 0.00238; TOPMed 0.00264; 1000 Genomes Project 0.00319; 1000 Genomes Project 30x 0.00344.
gnomAD v4.1: 657 of 1,613,996 alleles (0.041%); highest among the groups gnomAD compares: African/African-American, 0.77%; 5 homozygotes.

Submissions (8):

Labcorp Genetics (formerly Invitae), Labcorp
Classification: Benign for Hereditary sensory neuropathy-deafness-dementia syndrome. Last evaluated: 2026-01-19. Review status: criteria provided, single submitter. Criteria: Invitae Variant Classification Sherloc (09022015). Collection method: clinical testing. Allele origin: germline.

CeGaT Center for Human Genetics Tuebingen
Classification: Likely benign. Last evaluated: 2024-08-01. Review status: criteria provided, single submitter. Criteria: CeGaT Center For Human Genetics Tuebingen Variant Classification Criteria Version 2. Collection method: clinical testing. Allele origin: germline. Affected: yes. Observed: 1 variant allele.
Comment: DNMT1: BP4, BP7

Blueprint Genetics
Classification: Likely benign. Last evaluated: 2024-07-04. Review status: criteria provided, single submitter. Criteria: ACMG Guidelines, 2015. Collection method: clinical testing. Allele origin: germline.

Mayo Clinic Laboratories, Mayo Clinic
Classification: Benign. Last evaluated: 2022-03-22. Review status: criteria provided, single submitter. Criteria: ACMG Guidelines, 2015. Collection method: clinical testing. Allele origin: germline. Observed: 3 variant alleles.
Comment: BS1, BS2, BP4, BP7

GeneDx
Classification: Benign. Last evaluated: 2019-08-09. Review status: criteria provided, single submitter. Criteria: GeneDx Variant Classification Process June 2021. Collection method: clinical testing. Allele origin: germline. Affected: yes.

ARUP Laboratories, Molecular Genetics and Genomics, ARUP Laboratories
Classification: Benign. Last evaluated: 2018-10-02. Review status: criteria provided, single submitter. Criteria: ARUP Molecular Germline Variant Investigation Process. Collection method: clinical testing. Allele origin: germline.

Illumina Laboratory Services, Illumina
Classification: Benign for Hereditary sensory neuropathy-deafness-dementia syndrome. Last evaluated: 2018-01-12. Review status: criteria provided, single submitter. Criteria: ICSL Variant Classification Criteria 13 December 2019. Collection method: clinical testing. Allele origin: germline.
Comment: This variant was observed in the ICSL laboratory as part of a predisposition screen in an ostensibly healthy population. It had not been previously curated by ICSL or reported in the Human Gene Mutation Database (HGMD: prior to June 1st, 2018), and was therefore a candidate for classification through an automated scoring system. Utilizing variant allele frequency, disease prevalence and penetrance estimates, and inheritance mode, an automated score was calculated to assess if this variant is too frequent to cause the disease. Based on the score and internal cut-off values, a variant classified as benign is not then subjected to further curation. The score for this variant resulted in a classification of benign for this disease.

Breakthrough Genomics
Classification: Benign. Review status: criteria provided, single submitter. Criteria: ACMG Guidelines, 2015. Collection method: not provided. Allele origin: germline. Inheritance: Autosomal dominant inheritance. Affected: yes.

NM_001130823.3(DNMT1):c.4503C>T (p.Cys1501=)

Genes: DNMT1 (DNA methyltransferase 1; minus strand), LOC126862853 (CDK7 strongly-dependent group 2 enhancer GRCh37_chr19:10246117-10247316; plus strand). Cytogenetic location: 19p13.2.
Variant type: single nucleotide variant.
Coding change: c.4503C>T on transcript NM_001130823.3 (MANE Select); coding-DNA position 4503, C replaced by T.
Protein change: p.Cys1501=; no amino-acid change (cysteine 1501 retained).
Molecular consequence: synonymous variant.
Genome position (GRCh38, 1-based): chr19:10,136,274, G>A on the plus strand (C>T on the coding strand, the complement: DNMT1 is on the minus strand). VCF-style: chr19-10136274-G-A. GRCh37 (hg19) VCF-style: chr19-10246950-G-A.
Other names: p.Cys1501=; c.4503C>T (LRG_362t1); c.4464C>T, p.Cys1488= (NM_001318730.2); c.4140C>T, p.Cys1380= (NM_001318731.2); c.4455C>T, p.Cys1485= (NM_001379.4).
Identifiers: ClinVar variation 377790 (VCV000377790.42), dbSNP rs149271718, ClinGen allele CA9187485.